The following is an entry in ClinVar:

ClinVar aggregate classification (germline): Likely benign (0 of 4 stars; one submission).

Conditions:
ANO8-related disorder. Also called: ANO8-related condition.

Submission:

PreventionGenetics, part of Exact Sciences
Classification: Likely benign for ANO8-related condition. Last evaluated: 2023-08-04. Review status: no assertion criteria provided. Collection method: clinical testing. Allele origin: germline.
Comment: This variant is classified as likely benign based on ACMG/AMP sequence variant interpretation guidelines (Richards et al. 2015 PMID: 25741868, with internal and published modifications).

NM_020959.3(ANO8):c.1059G>T (p.Leu353=)

Gene: ANO8 (anoctamin 8; minus strand). Cytogenetic location: 19p13.11.
Variant type: single nucleotide variant.
Coding change: c.1059G>T on transcript NM_020959.3 (MANE Select); coding-DNA position 1059, G replaced by T.
Protein change: p.Leu353=; no amino-acid change (leucine 353 retained).
Molecular consequence: synonymous variant.
Genome position (GRCh38, 1-based): chr19:17,330,439, C>A on the plus strand (G>T on the coding strand, the complement: ANO8 is on the minus strand). VCF-style: chr19-17330439-C-A. GRCh37 (hg19) VCF-style: chr19-17441248-C-A.
Identifiers: ClinVar variation 3061645 (VCV003061645.2), dbSNP rs1335164709, ClinGen allele CA506098883.